The following is an entry in ClinVar:

NM_001267550.2(TTN):c.19357G>C (p.Gly6453Arg)

Gene: TTN (titin; minus strand). Cytogenetic location: 2q31.2.
Variant type: single nucleotide variant.
Coding change: c.19357G>C on transcript NM_001267550.2 (MANE Select); coding-DNA position 19357, G replaced by C.
Protein change: p.Gly6453Arg; replaces glycine 6453 with arginine.
Molecular consequence: missense variant. On other transcripts: intron variant (3).
Genome position (GRCh38, 1-based): chr2:178,728,569, C>G on the plus strand (G>C on the coding strand, the complement: TTN is on the minus strand). VCF-style: chr2-178728569-C-G. GRCh37 (hg19) VCF-style: chr2-179593296-C-G.
Other names: c.18406G>C, p.Gly6136Arg (NM_001256850.1); c.15625G>C, p.Gly5209Arg (NM_133378.4); c.13282+9513G>C (NM_003319.4); c.13858+9513G>C (NM_133437.4); c.13657+9513G>C (NM_133432.3); short protein forms G5209R, G6136R, G6453R.
Identifiers: ClinVar variation 2682553 (VCV002682553.2), dbSNP rs374964612, ClinGen allele CA60977188.

ClinVar aggregate classification (germline): Uncertain significance. Review status: criteria provided, multiple submitters, no conflicts (2 of 4 stars). 2 submissions from 2 submitters: Uncertain significance (2). Last evaluated 2024-01-31.

gnomAD v4.1: 4 of 1,612,944 alleles (0.00025%); highest among the groups gnomAD compares: Non-Finnish European, 0.00034%; no homozygotes.

Submissions (2):

GeneDx
Classification: Uncertain significance. Last evaluated: 2024-01-31. Review status: criteria provided, single submitter. Criteria: GeneDx Variant Classification Process June 2021. Collection method: clinical testing. Allele origin: germline. Affected: yes.
Comment: Not observed at significant frequency in large population cohorts (gnomAD); Missense variant in a gene in which most reported pathogenic variants are truncating/loss of function; Has not been previously published as pathogenic or benign to our knowledge; Located in a region of TTN within the I-band in which the majority of loss of function variants are significantly associated with autosomal dominant titinopathies (PMID: 27625338, 27869827)

Women's Health and Genetics/Laboratory Corporation of America, LabCorp
Classification: Uncertain significance. Last evaluated: 2023-11-15. Review status: criteria provided, single submitter. Criteria: LabCorp Variant Classification Summary - May 2015. Collection method: clinical testing. Allele origin: germline.
Comment: Variant summary: TTN c.15625G>C (p.Gly5209Arg) results in a non-conservative amino acid change located in the I-band region of the encoded protein sequence. Four of four in-silico tools predict a damaging effect of the variant on protein function. The variant allele was found at a frequency of 4e-06 in 247910 control chromosomes (gnomAD). The available data on variant occurrences in the general population are insufficient to allow any conclusion about variant significance. To our knowledge, no occurrence of c.15625G>C in individuals affected with Dilated Cardiomyopathy and no experimental evidence demonstrating its impact on protein function have been reported. No submitters have reported clinical-significance assessments for this variant to ClinVar after 2014. Based on the evidence outlined above, the variant was classified as uncertain significance.